The following is an entry in ClinVar:

NM_000088.4(COL1A1):c.1429C>G (p.Pro477Ala)

Gene: COL1A1 (collagen type I alpha 1 chain; minus strand). Cytogenetic location: 17q21.33.
Variant type: single nucleotide variant.
Coding change: c.1429C>G on transcript NM_000088.4 (MANE Select); coding-DNA position 1429, C replaced by G.
Protein change: p.Pro477Ala; replaces proline 477 with alanine.
Molecular consequence: missense variant.
Genome position (GRCh38, 1-based): chr17:50,194,753, G>C on the plus strand (C>G on the coding strand, the complement: COL1A1 is on the minus strand). VCF-style: chr17-50194753-G-C. GRCh37 (hg19) VCF-style: chr17-48272114-G-C.
Other names: short protein forms P477A.
Identifiers: ClinVar variation 1302717 (VCV001302717.7), dbSNP rs1268011878, ClinGen allele CA400217710.

ClinVar aggregate classification (germline): Conflicting classifications of pathogenicity. Review status: criteria provided, conflicting classifications (1 of 4 stars). 3 submissions from 3 submitters: Uncertain significance (2); Likely benign (1). Last evaluated 2026-07-21.

Conditions:
Osteogenesis imperfecta type I (OI1). Also called: OI, TYPE I; OSTEOGENESIS IMPERFECTA TARDA; OSTEOGENESIS IMPERFECTA WITH BLUE SCLERAE; Osteogenesis imperfecta type 1; Lobstein's Disease; Lobstein disease. Identifiers: Orphanet 216796, Orphanet 666, MedGen C0023931, MONDO:0008146, OMIM 166200. Disease mechanism: loss of function.
COL1A1-related disorder. Also called: COL1A1-related condition; COL1A1- related disease.

Allele frequency attached by ClinVar (database versions not stated): gnomAD exomes below 0.00001 and 0.00001.
gnomAD v4.1: 5 of 1,572,640 alleles (0.00032%); highest among the groups gnomAD compares: South Asian, 0.0012%; no homozygotes.

Submissions (3):

PreventionGenetics, part of Exact Sciences
Classification: Uncertain significance for COL1A1-related condition. Last evaluated: 2026-07-21. Review status: criteria provided, single submitter. Criteria: ACMG Guidelines, 2015. Collection method: clinical testing. Allele origin: germline.
Comment: The COL1A1 c.1429C>G variant is predicted to result in the amino acid substitution p.Pro477Ala. To our knowledge, this variant has not been reported in the literature. This variant is reported in 0.0040% of alleles in individuals of South Asian descent in gnomAD. At this time, the clinical significance of this variant is uncertain due to the absence of conclusive functional and genetic evidence.

Labcorp Genetics (formerly Invitae), Labcorp
Classification: Likely benign for Osteogenesis imperfecta type I. Last evaluated: 2025-09-22. Review status: criteria provided, single submitter. Criteria: Invitae Variant Classification Sherloc (09022015). Collection method: clinical testing. Allele origin: germline.

GeneDx
Classification: Uncertain significance. Last evaluated: 2024-09-09. Review status: criteria provided, single submitter. Criteria: GeneDx Variant Classification Process June 2021. Collection method: clinical testing. Allele origin: germline. Affected: yes.
Comment: Has not been previously published as pathogenic or benign to our knowledge; In silico analysis indicates that this missense variant does not alter protein structure/function; Not located in the triple helical region, where the majority of pathogenic missense variants occur (HGMD); Not observed at significant frequency in large population cohorts (gnomAD)